The following is an entry in ClinVar:

NM_001204.7(BMPR2):c.515A>G (p.Tyr172Cys)

Gene: BMPR2 (bone morphogenetic protein receptor type 2; plus strand). Cytogenetic location: 2q33.2.
Variant type: single nucleotide variant.
Coding change: c.515A>G on transcript NM_001204.7 (MANE Select); coding-DNA position 515, A replaced by G.
Protein change: p.Tyr172Cys; replaces tyrosine 172 with cysteine.
Molecular consequence: missense variant.
Genome position (GRCh38, 1-based): chr2:202,513,815, A>G. VCF-style: chr2-202513815-A-G. GRCh37 (hg19) VCF-style: chr2-203378538-A-G.
Other names: short protein forms Y172C.
Identifiers: ClinVar variation 3992227 (VCV003992227.1).

ClinVar aggregate classification (germline): Uncertain significance (1 of 4 stars; one submission).

Conditions:
Inborn genetic diseases. Identifiers: MedGen C0950123, MeSH D030342.

gnomAD v4.1: 2 of 1,610,450 alleles (0.00012%); highest among the groups gnomAD compares: African/African-American, 0.0013%; no homozygotes.

Submission:

Ambry Genetics
Classification: Uncertain significance for Inborn genetic diseases. Last evaluated: 2025-06-07. Review status: criteria provided, single submitter. Criteria: Ambry Variant Classification Scheme 2023. Collection method: clinical testing. Allele origin: germline.
Comment: The p.Y172C variant (also known as c.515A>G), located in coding exon 4 of the BMPR2 gene, results from an A to G substitution at nucleotide position 515. The tyrosine at codon 172 is replaced by cysteine, an amino acid with highly dissimilar properties. This amino acid position is conserved. In addition, this alteration is predicted to be deleterious by in silico analysis. Based on the available evidence, the clinical significance of this variant remains unclear.